The following is an entry in ClinVar:

ClinVar aggregate classification (germline): Uncertain significance (1 of 4 stars; one submission).

Conditions:
Inborn genetic diseases. Identifiers: MedGen C0950123, MeSH D030342.

gnomAD v4.1: 1 of 1,606,184 alleles (0.000062%); highest among the groups gnomAD compares: Non-Finnish European, 0.000085%; no homozygotes.

Submission:

Ambry Genetics
Classification: Uncertain significance for Inborn genetic diseases. Last evaluated: 2026-07-31. Review status: criteria provided, single submitter. Criteria: Ambry Variant Classification Scheme 2023. Collection method: clinical testing. Allele origin: germline.
Comment: The p.K1355N variant (also known as c.4065G>T), located in coding exon 14 of the FANCM gene, results from a G to T substitution at nucleotide position 4065. The lysine at codon 1355 is replaced by asparagine, an amino acid with similar properties. This amino acid position is conserved. In addition, this alteration is predicted to be tolerated by in silico analysis. Based on the available evidence, the clinical significance of this variant remains unclear.

NM_020937.4(FANCM):c.4065G>T (p.Lys1355Asn)

Gene: FANCM (FA complementation group M; plus strand). Cytogenetic location: 14q21.2.
Variant type: single nucleotide variant.
Coding change: c.4065G>T on transcript NM_020937.4 (MANE Select); coding-DNA position 4065, G replaced by T.
Protein change: p.Lys1355Asn; replaces lysine 1355 with asparagine.
Molecular consequence: missense variant.
Genome position (GRCh38, 1-based): chr14:45,176,819, G>T. VCF-style: chr14-45176819-G-T. GRCh37 (hg19) VCF-style: chr14-45646022-G-T.
Other names: c.3987G>T, p.Lys1329Asn (NM_001308133.2); short protein forms K1355N, K1329N.
Identifiers: ClinVar variation 5036659 (VCV005036659.1).